The following is an entry in ClinVar:

ClinVar aggregate classification (germline): Uncertain significance. Review status: criteria provided, multiple submitters, no conflicts (2 of 4 stars). 3 submissions from 3 submitters: Uncertain significance (3). Last evaluated 2025-06-17.

Allele frequency attached by ClinVar (database versions not stated): ExAC 0.00001; gnomAD exomes 0.00001; TOPMed 0.00002; gnomAD 0.00003 and 0.00004.
gnomAD v4.1: 20 of 1,614,018 alleles (0.0012%); highest among the groups gnomAD compares: East Asian, 0.0089%; no homozygotes.

Submissions (3):

Ambry Genetics
Classification: Uncertain significance. Last evaluated: 2025-06-17. Review status: criteria provided, single submitter. Criteria: Ambry Variant Classification Scheme 2023. Collection method: clinical testing. Allele origin: germline.
Comment: The p.G460S variant (also known as c.1378G>A), located in coding exon 12 of the A2ML1 gene, results from a G to A substitution at nucleotide position 1378. The glycine at codon 460 is replaced by serine, an amino acid with similar properties. This amino acid position is conserved. In addition, this alteration is predicted to be tolerated by in silico analysis. Since supporting evidence is limited at this time, the clinical significance of this alteration remains unclear.

Labcorp Genetics (formerly Invitae), Labcorp
Classification: Uncertain significance. Last evaluated: 2024-10-07. Review status: criteria provided, single submitter. Criteria: Invitae Variant Classification Sherloc (09022015). Collection method: clinical testing. Allele origin: germline.
Comment: This sequence change replaces glycine, which is neutral and non-polar, with serine, which is neutral and polar, at codon 460 of the A2ML1 protein (p.Gly460Ser). This variant is present in population databases (rs758716034, gnomAD 0.007%). This variant has not been reported in the literature in individuals affected with A2ML1-related conditions. ClinVar contains an entry for this variant (Variation ID: 1683400). An algorithm developed to predict the effect of missense changes on protein structure and function outputs the following: PolyPhen-2: "Benign". The serine amino acid residue is found in multiple mammalian species, which suggests that this missense change does not adversely affect protein function. In summary, the available evidence is currently insufficient to determine the role of this variant in disease. Therefore, it has been classified as a Variant of Uncertain Significance.

Women's Health and Genetics/Laboratory Corporation of America, LabCorp
Classification: Uncertain significance. Last evaluated: 2022-04-17. Review status: criteria provided, single submitter. Criteria: LabCorp Variant Classification Summary - May 2015. Collection method: clinical testing. Allele origin: germline.

NM_144670.6(A2ML1):c.1378G>A (p.Gly460Ser)

Gene: A2ML1 (alpha-2-macroglobulin like 1; plus strand). Cytogenetic location: 12p13.31.
Variant type: single nucleotide variant.
Coding change: c.1378G>A on transcript NM_144670.6 (MANE Select); coding-DNA position 1378, G replaced by A.
Protein change: p.Gly460Ser; replaces glycine 460 with serine.
Molecular consequence: missense variant.
Genome position (GRCh38, 1-based): chr12:8,843,263, G>A. VCF-style: chr12-8843263-G-A. GRCh37 (hg19) VCF-style: chr12-8995859-G-A.
Other names: short protein forms G460S.
Identifiers: ClinVar variation 1683400 (VCV001683400.10), dbSNP rs758716034, ClinGen allele CA6435635.